The following is an entry in ClinVar:

ClinVar aggregate classification (germline): Uncertain significance (1 of 4 stars; one submission).

gnomAD v4.1: 1 of 1,614,152 alleles (0.000062%); highest among the groups gnomAD compares: Non-Finnish European, 0.000085%; no homozygotes.

Submission:

Labcorp Genetics (formerly Invitae), Labcorp
Classification: Uncertain significance. Last evaluated: 2024-10-08. Review status: criteria provided, single submitter. Criteria: Invitae Variant Classification Sherloc (09022015). Collection method: clinical testing. Allele origin: germline.
Comment: This sequence change replaces proline, which is neutral and non-polar, with serine, which is neutral and polar, at codon 1508 of the LRP5 protein (p.Pro1508Ser). This variant is not present in population databases (gnomAD no frequency). This variant has not been reported in the literature in individuals affected with LRP5-related conditions. ClinVar contains an entry for this variant (Variation ID: 1496300). Invitae Evidence Modeling of protein sequence and biophysical properties (such as structural, functional, and spatial information, amino acid conservation, physicochemical variation, residue mobility, and thermodynamic stability) indicates that this missense variant is not expected to disrupt LRP5 protein function with a negative predictive value of 95%. In summary, the available evidence is currently insufficient to determine the role of this variant in disease. Therefore, it has been classified as a Variant of Uncertain Significance.

NM_002335.4(LRP5):c.4522C>T (p.Pro1508Ser)

Gene: LRP5 (LDL receptor related protein 5; plus strand). Cytogenetic location: 11q13.2.
Variant type: single nucleotide variant.
Coding change: c.4522C>T on transcript NM_002335.4 (MANE Select); coding-DNA position 4522, C replaced by T.
Protein change: p.Pro1508Ser; replaces proline 1508 with serine.
Molecular consequence: missense variant.
Genome position (GRCh38, 1-based): chr11:68,446,469, C>T. VCF-style: chr11-68446469-C-T. GRCh37 (hg19) VCF-style: chr11-68213937-C-T.
Other names: c.2779C>T, p.Pro927Ser (NM_001291902.2); short protein forms P927S, P1508S.
Identifiers: ClinVar variation 1496300 (VCV001496300.6), dbSNP rs938621756, ClinGen allele CA224259397.